The following is an entry in ClinVar:

NM_006393.3(NEBL):c.1777-140T>G

Gene: NEBL (nebulette; minus strand). Cytogenetic location: 10p12.31.
Variant type: single nucleotide variant.
Coding change: c.1777-140T>G on transcript NM_006393.3 (MANE Select); 140 bases into the intron before coding-DNA position 1777, T replaced by G.
Molecular consequence: intron variant.
Genome position (GRCh38, 1-based): chr10:20,826,679, A>C on the plus strand (T>G on the coding strand, the complement: NEBL is on the minus strand). VCF-style: chr10-20826679-A-C. GRCh37 (hg19) VCF-style: chr10-21115608-A-C.
Other names: c.250-13739T>G (NM_001377326.1, NM_001377327.1, NM_001377328.1); c.358-13739T>G (NM_213569.2, NM_001173484.2, NM_001377322.1); c.301-13739T>G (NM_001377324.1); c.292-13739T>G (NM_001377325.1); c.310-13739T>G (NM_001377323.1).
Identifiers: ClinVar variation 672882 (VCV000672882.2), dbSNP rs10828139, ClinGen allele CA13184873.

ClinVar aggregate classification (germline): Benign. Review status: criteria provided, multiple submitters, no conflicts (2 of 4 stars). 2 submissions from 2 submitters: Benign (2). Last evaluated 2018-06-15.

Allele frequency attached by ClinVar (database versions not stated): gnomAD 0.32838 and 0.33675; gnomAD exomes 0.33925; TOPMed 0.34273; 1000 Genomes Project 30x 0.42067; 1000 Genomes Project 0.42492.
gnomAD v4.1: 236,996 of 698,768 alleles (34%); highest among the groups gnomAD compares: East Asian, 58%; 43,014 homozygotes.

Submissions (2):

GeneDx
Classification: Benign. Last evaluated: 2018-06-15. Review status: criteria provided, single submitter. Criteria: GeneDx Variant Classification (06012015). Collection method: clinical testing. Allele origin: germline. Affected: yes.
Comment: This variant is considered likely benign or benign based on one or more of the following criteria: it is a conservative change, it occurs at a poorly conserved position in the protein, it is predicted to be benign by multiple in silico algorithms, and/or has population frequency not consistent with disease.

Breakthrough Genomics
Classification: Benign. Review status: criteria provided, single submitter. Criteria: ACMG Guidelines, 2015. Collection method: not provided. Allele origin: germline. Inheritance: Unknown mechanism. Affected: yes.